The following is an entry in ClinVar:

NM_152564.5(VPS13B):c.2334-3C>G

Gene: VPS13B (vacuolar protein sorting 13 homolog B; plus strand). Cytogenetic location: 8q22.2.
Variant type: single nucleotide variant.
Coding change: c.2334-3C>G on transcript NM_152564.5 (MANE Select); 3 bases into the intron before coding-DNA position 2334, C replaced by G.
Molecular consequence: intron variant.
Genome position (GRCh38, 1-based): chr8:99,192,873, C>G. VCF-style: chr8-99192873-C-G. GRCh37 (hg19) VCF-style: chr8-100205101-C-G.
Other names: c.2334-3C>G (NM_017890.5, NM_015243.3).
Identifiers: ClinVar variation 1037160 (VCV001037160.8), dbSNP rs749105779, ClinGen allele CA1805614268.

ClinVar aggregate classification (germline): Uncertain significance (1 of 4 stars; one submission).

Conditions:
Cohen syndrome (COH1). Also called: PEPPER SYNDROME; Cutis verticis gyrata, retinitis pigmentosa, and sensorineural deafness. Identifiers: Orphanet 193, MedGen C0265223, MONDO:0008999, OMIM 216550.

Submission:

Labcorp Genetics (formerly Invitae), Labcorp
Classification: Uncertain significance for Cohen syndrome. Last evaluated: 2022-02-24. Review status: criteria provided, single submitter. Criteria: Invitae Variant Classification Sherloc (09022015). Collection method: clinical testing. Allele origin: germline.
Comment: Variants that disrupt the consensus splice site are a relatively common cause of aberrant splicing (PMID: 17576681, 9536098). Algorithms developed to predict the effect of sequence changes on RNA splicing suggest that this variant may create or strengthen a splice site. This sequence change falls in intron 16 of the VPS13B gene. It does not directly change the encoded amino acid sequence of the VPS13B protein. It affects a nucleotide within the consensus splice site. This variant is not present in population databases (gnomAD no frequency). This variant has not been reported in the literature in individuals affected with VPS13B-related conditions. ClinVar contains an entry for this variant (Variation ID: 1037160). In summary, the available evidence is currently insufficient to determine the role of this variant in disease. Therefore, it has been classified as a Variant of Uncertain Significance.

Literature cited by the submitters: PubMed 17576681; PubMed 9536098.